The following is an entry in ClinVar:

NM_001351169.2(NT5C2):c.1528A>C (p.Thr510Pro)

Genes: NT5C2 (5'-nucleotidase, cytosolic II; minus strand), CNNM2 (cyclin and CBS domain divalent metal cation transport mediator 2; plus strand). Cytogenetic location: 10q24.32.
Variant type: single nucleotide variant.
Coding change: c.1528A>C on transcript NM_001351169.2 (MANE Select); coding-DNA position 1528, A replaced by C.
Protein change: p.Thr510Pro; replaces threonine 510 with proline.
Molecular consequence: missense variant. On other transcripts: 3 prime UTR variant (2).
Genome position (GRCh38, 1-based): chr10:103,089,830, T>G on the plus strand (A>C on the coding strand, the complement: NT5C2 is on the minus strand). VCF-style: chr10-103089830-T-G. GRCh37 (hg19) VCF-style: chr10-104849587-T-G.
Other names: c.1528A>C, p.Thr510Pro (NM_001134373.3, NM_012229.5); c.1552A>C, p.Thr518Pro (NM_001351170.2, NM_001351171.2, NM_001351172.2 and 1 more transcripts); c.1441A>C, p.Thr481Pro (NM_001351174.1); c.1435A>C, p.Thr479Pro (NM_001351175.2); c.955A>C, p.Thr319Pro (NM_001351176.2, NM_001351177.2, NM_001351178.2 and 16 more transcripts); c.814A>C, p.Thr272Pro (NM_001351194.2, NM_001351195.2, NM_001351196.2); c.*12650T>G (NM_017649.5, NM_199076.3); short protein forms T479P, T272P, T481P, T510P, T319P, T518P.
Identifiers: ClinVar variation 864795 (VCV000864795.11), dbSNP rs766540908, ClinGen allele CA5670730.
Genomic context (GRCh38, chr10:103,089,830, plus strand): 5'-CACTAATTGACCGTGTCAGCTGGTGCCGCTTGTAGTCAGTGTCTTTGAAATCCACTGATG[T>G]GCGGTTCCGGGTGGCAAGAGGAGACTCCATCTCATTGATATCTACGTGTGTGTGCTCCAC-3'
Protein context (NP_001338098.1, residues 500-520): MESPLATRNR[Thr510Pro]SVDFKDTDYK

ClinVar aggregate classification (germline): Uncertain significance. Review status: criteria provided, multiple submitters, no conflicts (2 of 4 stars). 2 submissions from 2 submitters: Uncertain significance (2). Last evaluated 2023-01-18.

Conditions:
Inborn genetic diseases. Identifiers: MedGen C0950123, MeSH D030342.
Hereditary spastic paraplegia 45. Also called: Spastic paraplegia 45, autosomal recessive; SPASTIC PARAPLEGIA 45. Identifiers: Orphanet 320396, MedGen C3888209, MONDO:0013165, OMIM 613162.

Allele frequency attached by ClinVar (database versions not stated): gnomAD exomes 0.00001; ExAC 0.00002; TOPMed 0.00002; gnomAD 0.00003.
gnomAD v4.1: 24 of 1,614,002 alleles (0.0015%); highest among the groups gnomAD compares: Non-Finnish European, 0.002%; no homozygotes.

Submissions (2):

Ambry Genetics
Classification: Uncertain significance for Inborn genetic diseases. Last evaluated: 2023-01-18. Review status: criteria provided, single submitter. Criteria: Ambry Variant Classification Scheme 2023. Collection method: clinical testing. Allele origin: germline.

Labcorp Genetics (formerly Invitae), Labcorp
Classification: Uncertain significance for Hereditary spastic paraplegia 45. Last evaluated: 2019-03-25. Review status: criteria provided, single submitter. Criteria: Invitae Variant Classification Sherloc (09022015). Collection method: clinical testing. Allele origin: germline.
Comment: In summary, the available evidence is currently insufficient to determine the role of this variant in disease. Therefore, it has been classified as a Variant of Uncertain Significance. Algorithms developed to predict the effect of missense changes on protein structure and function (SIFT, PolyPhen-2, Align-GVGD) all suggest that this variant is likely to be tolerated, but these predictions have not been confirmed by published functional studies and their clinical significance is uncertain. This variant has not been reported in the literature in individuals with NT5C2-related conditions. This variant is present in population databases (rs766540908, ExAC 0.003%). This sequence change replaces threonine with proline at codon 510 of the NT5C2 protein (p.Thr510Pro). The threonine residue is moderately conserved and there is a small physicochemical difference between threonine and proline.